The following is an entry in ClinVar:

NM_017612.5(ZCCHC8):c.648_658dup (p.Val220fs)

Gene: ZCCHC8 (zinc finger CCHC-type containing 8; minus strand). Cytogenetic location: 12q24.31.
Variant type: Duplication.
Coding change: c.648_658dup on transcript NM_017612.5 (MANE Select); coding-DNA positions 648 to 658, 11 bases duplicated (AGAAATACAAG).
Protein change: p.Val220fs; shifts the reading frame from valine 220.
Molecular consequence: frameshift variant. On other transcripts: intron variant (3).
Genome position (GRCh38, 1-based): chr12:122,483,292-122,483,302, CTTGTATTTCT duplicated on the plus strand (AGAAATACAAG on the coding strand, the reverse complement: ZCCHC8 is on the minus strand). VCF-style (leftmost placement, unchanged base first): chr12-122483291-A-ACTTGTATTTCT. GRCh37 (hg19) VCF-style: chr12-122967838-A-ACTTGTATTTCT.
Other names: c.351_361dup, p.Val121fs (NM_001350936.2); c.-43-607_-43-597dup (NM_001350938.2, NM_001350937.2); c.502-1215_502-1205dup (NM_001350935.2); short protein forms V121fs, V220fs.
Identifiers: ClinVar variation 3650989 (VCV003650989.2).
Genomic context (GRCh38, chr12:122,483,291, plus strand): 5'-TTGGTTAAAAAAGTAAATAAGTAAAACAAAACAACTCCCCACACAAACCTTTTTGCCTTT[A>ACTTGTATTTCT]CTTGTATTTCTTGCCCTTCTAGAGAAACAATGTGGCTGAAGACTTGATGGTACCTTTAGT-3'

ClinVar aggregate classification (germline): Uncertain significance (1 of 4 stars; one submission).

Submission:

Labcorp Genetics (formerly Invitae), Labcorp
Classification: Uncertain significance. Last evaluated: 2024-04-25. Review status: criteria provided, single submitter. Criteria: Invitae Variant Classification Sherloc (09022015). Collection method: clinical testing. Allele origin: germline.
Comment: This sequence change creates a premature translational stop signal (p.Val220Glufs*5) in the ZCCHC8 gene. It is expected to result in an absent or disrupted protein product. However, the current clinical and genetic evidence is not sufficient to establish whether loss-of-function variants in ZCCHC8 cause disease. This variant is not present in population databases (gnomAD no frequency). This variant has not been reported in the literature in individuals affected with ZCCHC8-related conditions. In summary, the available evidence is currently insufficient to determine the role of this variant in disease. Therefore, it has been classified as a Variant of Uncertain Significance.